The following is an entry in ClinVar:

ClinVar aggregate classification (germline): Likely pathogenic (1 of 4 stars; one submission).

gnomAD v4.1: 1 of 1,612,316 alleles (0.000062%); highest among the groups gnomAD compares: East Asian, 0.0022%; no homozygotes.

Submission:

Labcorp Genetics (formerly Invitae), Labcorp
Classification: Likely pathogenic. Last evaluated: 2022-02-23. Review status: criteria provided, single submitter. Criteria: Invitae Variant Classification Sherloc (09022015). Collection method: clinical testing. Allele origin: germline.
Comment: Advanced modeling of protein sequence and biophysical properties (such as structural, functional, and spatial information, amino acid conservation, physicochemical variation, residue mobility, and thermodynamic stability) performed at Invitae indicates that this missense variant is expected to disrupt COL7A1 protein function. This sequence change replaces arginine, which is basic and polar, with glycine, which is neutral and non-polar, at codon 1814 of the COL7A1 protein (p.Arg1814Gly). This variant is not present in population databases (gnomAD no frequency). This variant has not been reported in the literature in individuals affected with COL7A1-related conditions. This variant disrupts the p.Arg1814 amino acid residue in COL7A1. Other variant(s) that disrupt this residue have been determined to be pathogenic (PMID: 17425959, 20184583). This suggests that this residue is clinically significant, and that variants that disrupt this residue are likely to be disease-causing. In summary, the currently available evidence indicates that the variant is pathogenic, but additional data are needed to prove that conclusively. Therefore, this variant has been classified as Likely Pathogenic.

Literature cited by the submitters: PubMed 17425959; PubMed 20184583.

NM_000094.4(COL7A1):c.5440C>G (p.Arg1814Gly)

Gene: COL7A1 (collagen type VII alpha 1 chain; minus strand). Cytogenetic location: 3p21.31.
Variant type: single nucleotide variant.
Coding change: c.5440C>G on transcript NM_000094.4 (MANE Select); coding-DNA position 5440, C replaced by G.
Protein change: p.Arg1814Gly; replaces arginine 1814 with glycine.
Molecular consequence: missense variant.
Genome position (GRCh38, 1-based): chr3:48,578,500, G>C on the plus strand (C>G on the coding strand, the complement: COL7A1 is on the minus strand). VCF-style: chr3-48578500-G-C. GRCh37 (hg19) VCF-style: chr3-48615933-G-C.
Other names: short protein forms R1814G.
Identifiers: ClinVar variation 2094496 (VCV002094496.4), dbSNP rs778035441, ClinGen allele CA352672938.